The following is an entry in ClinVar:

ClinVar aggregate classification (germline): Benign/Likely benign. Review status: criteria provided, multiple submitters, no conflicts (2 of 4 stars). 17 submissions from 15 submitters: Benign (7); Likely benign (6). 4 of the submissions do not count toward it. Last evaluated 2026-02-03.

Conditions:
SCN9A-related disorder. Also called: SCN9A-related disorders; SCN9A-related condition.
Generalized epilepsy with febrile seizures plus, type 7 (GEFSP7). Also called: GEFS+, TYPE 7. Identifiers: Orphanet 36387, MedGen C2751778, MONDO:0013470, OMIM 613863.
Neuropathy, hereditary sensory and autonomic, type 2A (HSAN2A). Also called: ACROOSTEOLYSIS, GIACCAI TYPE; ACROOSTEOLYSIS, NEUROGENIC; HSAN IIA; WNK1-Related HSAN2 (HSAN2A); NEUROPATHY, HEREDITARY SENSORY RADICULAR, AUTOSOMAL RECESSIVE; MORVAN DISEASE. Identifiers: Orphanet 970, MedGen C2752089, MONDO:0024309, OMIM 201300.
Inborn genetic diseases. Identifiers: MedGen C0950123, MeSH D030342.
Primary erythromelalgia. Also called: primary erythermalgia; SCN9A Erythromelalgia (SCN9A-EM). Identifiers: Orphanet 306577, Orphanet 90026, MedGen C0014805, MONDO:0007571, OMIM 133020.
Channelopathy-associated congenital insensitivity to pain, autosomal recessive. Also called: Insensitivity to pain, channelopathy-associated; ASYMBOLIA FOR PAIN; CONGENITAL ANALGESIA, AUTOSOMAL RECESSIVE. Identifiers: Orphanet 88642, Orphanet 970, MedGen C1855739, MONDO:0009459, OMIM 243000.
Paroxysmal extreme pain disorder (PEXPD). Also called: SCN9A Paroxysmal Extreme Pain Disorder (SCN9A-PEPD); PAIN, SUBMANDIBULAR, OCULAR, AND RECTAL, WITH FLUSHING; RECTAL PAIN, FAMILIAL. Identifiers: Orphanet 46348, MedGen C1833661, MONDO:0008179, OMIM 167400.

Allele frequency attached by ClinVar (database versions not stated): gnomAD 0.00061; ESP Exome Variant Server 0.00063; 1000 Genomes Project 30x 0.00078; TOPMed 0.00080; gnomAD exomes 0.00093 and 0.00161; 1000 Genomes Project 0.00100; ExAC 0.00226.
gnomAD v4.1: 1,554 of 1,589,422 alleles (0.098%); highest among the groups gnomAD compares: Middle Eastern, 1.2%; 14 homozygotes.

Submissions (17):

Labcorp Genetics (formerly Invitae), Labcorp
Classification: Likely benign for Neuropathy, hereditary sensory and autonomic, type 2A; Generalized epilepsy with febrile seizures plus, type 7. Last evaluated: 2026-02-03. Review status: criteria provided, single submitter. Criteria: Invitae Variant Classification Sherloc (09022015). Collection method: clinical testing. Allele origin: germline.

PreventionGenetics, part of Exact Sciences
Classification: Benign for SCN9A-related condition. Last evaluated: 2026-01-07. Review status: criteria provided, single submitter. Criteria: ACMG Guidelines, 2015. Collection method: clinical testing. Allele origin: germline.
Comment: This variant is classified as benign based on ACMG/AMP sequence variant interpretation guidelines (Richards et al. 2015 PMID: 25741868, with internal and published modifications).

CeGaT Center for Human Genetics Tuebingen
Classification: Likely benign. Last evaluated: 2025-05-01. Review status: criteria provided, single submitter. Criteria: CeGaT Center For Human Genetics Tuebingen Variant Classification Criteria Version 2. Collection method: clinical testing. Allele origin: germline. Affected: yes. Observed: 8 variant alleles.
Comment: SCN9A: BS2

Dubai Health Genomic Medicine Center, Dubai Health
Classification: Benign. Last evaluated: 2020-03-23. Review status: criteria provided, single submitter. Criteria: ACMG Guidelines, 2015. Collection method: clinical testing. Allele origin: germline. Affected: yes.

Athena Diagnostics
Classification: Benign. Last evaluated: 2020-02-11. Review status: criteria provided, single submitter. Criteria: Athena Diagnostics Criteria. Collection method: clinical testing. Allele origin: unknown.

GeneDx
Classification: Benign. Last evaluated: 2020-01-27. Review status: criteria provided, single submitter. Criteria: GeneDx Variant Classification Process June 2021. Collection method: clinical testing. Allele origin: germline. Affected: yes.
Comment: This variant is associated with the following publications: (PMID: 26989088, 28235406, 32707200)

Ambry Genetics
Classification: Likely benign for Inborn genetic diseases. Last evaluated: 2020-01-13. Review status: criteria provided, single submitter. Criteria: Ambry Variant Classification Scheme 2023. Collection method: clinical testing. Allele origin: germline.

Mayo Clinic Laboratories, Mayo Clinic
Classification: Benign. Last evaluated: 2019-05-29. Review status: criteria provided, single submitter. Criteria: ACMG Guidelines, 2015. Collection method: clinical testing. Allele origin: germline. Observed: 9 variant alleles.

Illumina Laboratory Services, Illumina
Classification: Benign for Primary erythromelalgia. Last evaluated: 2018-01-13. Review status: criteria provided, single submitter. Criteria: ICSL Variant Classification Criteria 13 December 2019. Collection method: clinical testing. Allele origin: germline.
Comment: This variant was observed in the ICSL laboratory as part of a predisposition screen in an ostensibly healthy population. It had not been previously curated by ICSL or reported in the Human Gene Mutation Database (HGMD: prior to June 1st, 2018), and was therefore a candidate for classification through an automated scoring system. Utilizing variant allele frequency, disease prevalence and penetrance estimates, and inheritance mode, an automated score was calculated to assess if this variant is too frequent to cause the disease. Based on the score and internal cut-off values, a variant classified as benign is not then subjected to further curation. The score for this variant resulted in a classification of benign for this disease.

Illumina Laboratory Services, Illumina
Classification: Likely benign for Channelopathy-associated congenital insensitivity to pain, autosomal recessive. Last evaluated: 2018-01-13. Review status: criteria provided, single submitter. Criteria: ICSL Variant Classification Criteria 13 December 2019. Collection method: clinical testing. Allele origin: germline.
Comment: This variant was observed in the ICSL laboratory as part of a predisposition screen in an ostensibly healthy population. It had not been previously curated by ICSL or reported in the Human Gene Mutation Database (HGMD: prior to June 1st, 2018), and was therefore a candidate for classification through an automated scoring system. Utilizing variant allele frequency, disease prevalence and penetrance estimates, and inheritance mode, an automated score was calculated to assess if this variant is too frequent to cause the disease. Based on the score and internal cut-off values, a variant classified as likely benign is not then subjected to further curation. The score for this variant resulted in a classification of likely benign for this disease.

Illumina Laboratory Services, Illumina
Classification: Benign for Paroxysmal extreme pain disorder. Last evaluated: 2018-01-13. Review status: criteria provided, single submitter. Criteria: ICSL Variant Classification Criteria 13 December 2019. Collection method: clinical testing. Allele origin: germline.
Comment: the same text as in the submission from Illumina Laboratory Services, Illumina above.

Eurofins Ntd Llc (ga)
Classification: Likely benign. Last evaluated: 2016-05-25. Review status: criteria provided, single submitter. Criteria: EGL Classification Definitions 2015. Collection method: clinical testing. Allele origin: germline. Observed: 2 variant alleles, 2 heterozygotes.

Breakthrough Genomics
Classification: Likely benign. Review status: criteria provided, single submitter. Criteria: ACMG Guidelines, 2015. Collection method: not provided. Allele origin: germline. Inheritance: Autosomal recessive inheritance. Affected: yes.

Clinical Genetics DNA and cytogenetics Diagnostics Lab, Erasmus MC, Erasmus Medical Center
Classification: Likely benign. Review status: no assertion criteria provided. Collection method: clinical testing. Allele origin: germline. Affected: yes. Study: VKGL Data-share Consensus. Not counted in ClinVar's aggregate classification.

Clinical Genetics, Academic Medical Center
Classification: Likely benign. Review status: no assertion criteria provided. Collection method: clinical testing. Allele origin: germline. Affected: yes. Study: VKGL Data-share Consensus. Not counted in ClinVar's aggregate classification.

Genome Diagnostics Laboratory, University Medical Center Utrecht
Classification: Likely benign. Review status: no assertion criteria provided. Collection method: clinical testing. Allele origin: germline. Affected: yes. Study: VKGL Data-share Consensus. Not counted in ClinVar's aggregate classification.

Joint Genome Diagnostic Labs from Nijmegen and Maastricht, Radboudumc and MUMC+
Classification: Likely benign. Review status: no assertion criteria provided. Collection method: clinical testing. Allele origin: germline. Affected: yes. Study: VKGL Data-share Consensus. Not counted in ClinVar's aggregate classification.

Literature cited by the submitters: PubMed 28235406 (cited by Athena Diagnostics).

NM_001365536.1(SCN9A):c.4315G>A (p.Val1439Ile)

Genes: SCN1A-AS1 (SCN1A and SCN9A antisense RNA 1; plus strand), SCN9A (sodium voltage-gated channel alpha subunit 9; minus strand). Cytogenetic location: 2q24.3.
Variant type: single nucleotide variant.
Coding change: c.4315G>A on transcript NM_001365536.1 (MANE Select); coding-DNA position 4315, G replaced by A.
Protein change: p.Val1439Ile; replaces valine 1439 with isoleucine.
Molecular consequence: missense variant.
Genome position (GRCh38, 1-based): chr2:166,226,650, C>T on the plus strand (G>A on the coding strand, the complement: SCN9A is on the minus strand). VCF-style: chr2-166226650-C-T. GRCh37 (hg19) VCF-style: chr2-167083160-C-T.
Other names: p.Val1428Ile; c.4282G>A, p.Val1428Ile (NM_002977.4); short protein forms V1428I, V1439I.
Identifiers: ClinVar variation 287829 (VCV000287829.73), dbSNP rs149346064, ClinGen allele CA1943896.